The following is an entry in ClinVar:

NM_001378454.1(ALMS1):c.539A>T (p.Glu180Val)

Gene: ALMS1 (ALMS1 centrosome and basal body associated protein; plus strand). Cytogenetic location: 2p13.1.
Variant type: single nucleotide variant.
Coding change: c.539A>T on transcript NM_001378454.1 (MANE Select); coding-DNA position 539, A replaced by T.
Protein change: p.Glu180Val; replaces glutamic acid 180 with valine.
Molecular consequence: missense variant.
Genome position (GRCh38, 1-based): chr2:73,419,211, A>T. VCF-style: chr2-73419211-A-T. GRCh37 (hg19) VCF-style: chr2-73646339-A-T.
Other names: c.542A>T, p.Glu181Val (NM_015120.4); short protein forms E180V, E181V.
Identifiers: ClinVar variation 1723607 (VCV001723607.2), dbSNP rs1473661013, ClinGen allele CA347259032.

ClinVar aggregate classification (germline): Uncertain significance (1 of 4 stars; one submission).

Allele frequency attached by ClinVar (database versions not stated): gnomAD exomes below 0.00001; TOPMed below 0.00001; gnomAD 0.00001.
gnomAD v4.1: 5 of 1,613,904 alleles (0.00031%); highest among the groups gnomAD compares: Non-Finnish European, 0.00034%; no homozygotes.

Submission:

GeneDx
Classification: Uncertain significance. Last evaluated: 2022-05-11. Review status: criteria provided, single submitter. Criteria: GeneDx Variant Classification Process June 2021. Collection method: clinical testing. Allele origin: germline. Affected: yes.
Comment: Not observed at significant frequency in large population cohorts (gnomAD); In silico analysis supports that this missense variant has a deleterious effect on protein structure/function; Has not been previously published as pathogenic or benign to our knowledge